The following is an entry in ClinVar:

NM_001854.4(COL11A1):c.4595C>A (p.Pro1532His)

Gene: COL11A1 (collagen type XI alpha 1 chain; minus strand). Cytogenetic location: 1p21.1.
Variant type: single nucleotide variant.
Coding change: c.4595C>A on transcript NM_001854.4 (MANE Select); coding-DNA position 4595, C replaced by A.
Protein change: p.Pro1532His; replaces proline 1532 with histidine.
Molecular consequence: missense variant. On other transcripts: non-coding transcript variant (1).
Genome position (GRCh38, 1-based): chr1:102,888,590, G>T on the plus strand (C>A on the coding strand, the complement: COL11A1 is on the minus strand). VCF-style: chr1-102888590-G-T. GRCh37 (hg19) VCF-style: chr1-103354146-G-T.
Other names: c.4478C>A, p.Pro1493His (NM_001190709.2); c.4631C>A, p.Pro1544His (NM_080629.3); c.4247C>A, p.Pro1416His (NM_080630.4); short protein forms P1544H, P1493H, P1532H, P1416H.
Identifiers: ClinVar variation 4744682 (VCV004744682.1).
Genomic context (GRCh38, chr1:102,888,590, plus strand): 5'-TCCAGATGCAAACTGTCAGAACATCACTCTTGTTAACATATACTTACTGGAGACCCAGGA[G>T]GCCCTGGAAGACCACTGTCACCTTTCTGGCCAGCGGGTCCCTGTTAGAAAGAAGAGAGAG-3'
Protein context (NP_001845.3, residues 1522-1542): GQKGDSGLPG[Pro1532His]PGSPGPPGEV

ClinVar aggregate classification (germline): Uncertain significance (1 of 4 stars; one submission).

Submission:

Labcorp Genetics (formerly Invitae), Labcorp
Classification: Uncertain significance. Last evaluated: 2025-02-06. Review status: criteria provided, single submitter. Criteria: Invitae Variant Classification Sherloc (09022015). Collection method: clinical testing. Allele origin: germline.
Comment: This sequence change replaces proline, which is neutral and non-polar, with histidine, which is basic and polar, at codon 1532 of the COL11A1 protein (p.Pro1532His). This variant is not present in population databases (gnomAD no frequency). This variant has not been reported in the literature in individuals affected with COL11A1-related conditions. Invitae Evidence Modeling of protein sequence and biophysical properties (such as structural, functional, and spatial information, amino acid conservation, physicochemical variation, residue mobility, and thermodynamic stability) indicates that this missense variant is not expected to disrupt COL11A1 protein function with a negative predictive value of 80%. In summary, the available evidence is currently insufficient to determine the role of this variant in disease. Therefore, it has been classified as a Variant of Uncertain Significance.